The following is an entry in ClinVar:

NM_001348716.2(KDM6B):c.588G>C (p.Pro196=)

Gene: KDM6B (lysine demethylase 6B; plus strand). Cytogenetic location: 17p13.1.
Variant type: single nucleotide variant.
Coding change: c.588G>C on transcript NM_001348716.2 (MANE Select); coding-DNA position 588, G replaced by C.
Protein change: p.Pro196=; no amino-acid change (proline 196 retained).
Molecular consequence: synonymous variant.
Genome position (GRCh38, 1-based): chr17:7,846,617, G>C. VCF-style: chr17-7846617-G-C. GRCh37 (hg19) VCF-style: chr17-7749935-G-C.
Other names: c.588G>C, p.Pro196= (NM_001080424.2).
Identifiers: ClinVar variation 5039241 (VCV005039241.1).

ClinVar aggregate classification (germline): Likely benign (1 of 4 stars; one submission).

gnomAD v4.1: 4 of 1,614,054 alleles (0.00025%); highest among the groups gnomAD compares: Non-Finnish European, 0.000085%; no homozygotes.

Submission:

CeGaT Center for Human Genetics Tuebingen
Classification: Likely benign. Last evaluated: 2026-08-01. Review status: criteria provided, single submitter. Criteria: CeGaT Center For Human Genetics Tuebingen Variant Classification Criteria Version 2. Collection method: clinical testing. Allele origin: germline. Affected: yes. Observed: 1 variant allele.
Comment: KDM6B: BP4, BP7